The following is an entry in ClinVar:

ClinVar aggregate classification (germline): Uncertain significance. Review status: criteria provided, multiple submitters, no conflicts (2 of 4 stars). 2 submissions from 2 submitters: Uncertain significance (2). Last evaluated 2024-08-14.

Conditions:
CHARGE syndrome (CHARGE). Also called: Hittner Hirsch Kreh syndrome; CHARGE ASSOCIATION--COLOBOMA, HEART ANOMALY, CHOANAL ATRESIA, RETARDATION, GENITAL AND EAR ANOMALIES; Coloboma, heart anomaly, choanal atresia, retardation, genital and ear anomalies; CHARGE association; Hall-Hittner syndrome. Identifiers: Orphanet 138, MedGen C0265354, MONDO:0008965.

Allele frequency attached by ClinVar (database versions not stated): TOPMed below 0.00001.

Submissions (2):

Blueprint Genetics
Classification: Uncertain significance. Last evaluated: 2024-08-14. Review status: criteria provided, single submitter. Criteria: ACMG Guidelines, 2015. Collection method: clinical testing. Allele origin: germline.

Labcorp Genetics (formerly Invitae), Labcorp
Classification: Uncertain significance for CHARGE syndrome. Last evaluated: 2022-11-28. Review status: criteria provided, single submitter. Criteria: Invitae Variant Classification Sherloc (09022015). Collection method: clinical testing. Allele origin: germline.
Comment: This sequence change replaces arginine, which is basic and polar, with glycine, which is neutral and non-polar, at codon 1109 of the CHD7 protein (p.Arg1109Gly). This variant is not present in population databases (gnomAD no frequency). This variant has not been reported in the literature in individuals affected with CHD7-related conditions. Advanced modeling of protein sequence and biophysical properties (such as structural, functional, and spatial information, amino acid conservation, physicochemical variation, residue mobility, and thermodynamic stability) performed at Invitae indicates that this missense variant is expected to disrupt CHD7 protein function. In summary, the available evidence is currently insufficient to determine the role of this variant in disease. Therefore, it has been classified as a Variant of Uncertain Significance.

NM_017780.4(CHD7):c.3325A>G (p.Arg1109Gly)

Gene: CHD7 (chromodomain helicase DNA binding protein 7; plus strand). Cytogenetic location: 8q12.2.
Variant type: single nucleotide variant.
Coding change: c.3325A>G on transcript NM_017780.4 (MANE Select); coding-DNA position 3325, A replaced by G.
Protein change: p.Arg1109Gly; replaces arginine 1109 with glycine.
Molecular consequence: missense variant. On other transcripts: intron variant (1).
Genome position (GRCh38, 1-based): chr8:60,823,963, A>G. VCF-style: chr8-60823963-A-G. GRCh37 (hg19) VCF-style: chr8-61736522-A-G.
Other names: c.1717-38266A>G (NM_001316690.1); short protein forms R1109G.
Identifiers: ClinVar variation 2817092 (VCV002817092.4), dbSNP rs1804156961, ClinGen allele CA371312406.